The following is an entry in ClinVar:

NM_138694.4(PKHD1):c.5133C>T (p.Ala1711=)

Genes: PKHD1 (PKHD1 ciliary IPT domain containing fibrocystin/polyductin; minus strand), LOC126859690 (MED14-independent group 3 enhancer GRCh37_chr6:51888848-51890047; plus strand). Cytogenetic location: 6p12.2.
Variant type: single nucleotide variant.
Coding change: c.5133C>T on transcript NM_138694.4 (MANE Select); coding-DNA position 5133, C replaced by T.
Protein change: p.Ala1711=; no amino-acid change (alanine 1711 retained).
Molecular consequence: synonymous variant.
Genome position (GRCh38, 1-based): chr6:52,024,677, G>A on the plus strand (C>T on the coding strand, the complement: PKHD1 is on the minus strand). VCF-style: chr6-52024677-G-A. GRCh37 (hg19) VCF-style: chr6-51889475-G-A.
Other names: c.5133C>T, p.Ala1711= (NM_170724.3); c.5133C>T (NM_138694.3).
Identifiers: ClinVar variation 595646 (VCV000595646.16), dbSNP rs144841026, ClinGen allele CA3852603.

ClinVar aggregate classification (germline): Conflicting classifications of pathogenicity. Review status: criteria provided, conflicting classifications (1 of 4 stars). 3 submissions from 3 submitters: Uncertain significance (1); Likely benign (1). 1 of the submissions does not count toward it. Last evaluated 2025-12-22.

Conditions:
PKHD1-related disorder. Also called: PKHD1-related condition.
Autosomal recessive polycystic kidney disease (ARPKD). Also called: AR polycystic kidney disease. Identifiers: Orphanet 731, Orphanet 8378, MedGen C0085548, MeSH D017044, MONDO:0009889.

Allele frequency attached by ClinVar (database versions not stated): TOPMed 0.00002; 1000 Genomes Project 0.00020; 1000 Genomes Project 30x 0.00031.
gnomAD v4.1: 30 of 1,614,086 alleles (0.0019%); highest among the groups gnomAD compares: East Asian, 0.0089%; no homozygotes.

Submissions (3):

Labcorp Genetics (formerly Invitae), Labcorp
Classification: Likely benign for Autosomal recessive polycystic kidney disease. Last evaluated: 2025-12-22. Review status: criteria provided, single submitter. Criteria: Invitae Variant Classification Sherloc (09022015). Collection method: clinical testing. Allele origin: germline.

Eurofins Ntd Llc (ga)
Classification: Uncertain significance. Last evaluated: 2018-01-04. Review status: criteria provided, single submitter. Criteria: EGL Classification Definitions 2015. Collection method: clinical testing. Allele origin: germline. Observed: 2 variant alleles, 2 heterozygotes.

PreventionGenetics, part of Exact Sciences
Classification: Likely benign for PKHD1-related condition. Last evaluated: 2019-08-22. Review status: no assertion criteria provided. Collection method: clinical testing. Allele origin: germline. Not counted in ClinVar's aggregate classification.
Comment: This variant is classified as likely benign based on ACMG/AMP sequence variant interpretation guidelines (Richards et al. 2015 PMID: 25741868, with internal and published modifications).